The following is an entry in ClinVar:

ClinVar aggregate classification (germline): Uncertain significance (1 of 4 stars; one submission).

Conditions:
Cardiovascular phenotype. Identifiers: MedGen CN230736.
Hereditary cancer-predisposing syndrome. Also called: Neoplastic Syndromes, Hereditary; Tumor predisposition; Hereditary Cancer Syndrome; Hereditary neoplastic syndrome. Identifiers: Orphanet 140162, MedGen C0027672, MeSH D009386, MONDO:0015356.

Submission:

Ambry Genetics
Classification: Uncertain significance for Cardiovascular phenotype; Hereditary cancer-predisposing syndrome. Last evaluated: 2021-01-26. Review status: criteria provided, single submitter. Criteria: Ambry Variant Classification Scheme 2023. Collection method: clinical testing. Allele origin: germline.
Comment: The c.6791_6792insTGA variant (also known as p.Y2264_N2265insD), located in coding exon 45 of the NF1 gene, results from an in-frame TGA insertion at nucleotide positions 6791 to 6792. This results in the insertion of an extra aspartic acid residue between codons 2264 and 2265. This amino acid position is highly conserved in available vertebrate species. In addition, the in silico prediction for this alteration is inconclusive (Choi Y et al. PLoS ONE. 2012; 7(10):e46688). Since supporting evidence is limited at this time, the clinical significance of this alteration remains unclear.

NM_001042492.3(NF1):c.6854_6855insTGA (p.Tyr2285_Asn2286insAsp)

Gene: NF1 (neurofibromin 1; plus strand). Cytogenetic location: 17q11.2.
Variant type: Insertion.
Coding change: c.6854_6855insTGA on transcript NM_001042492.3 (MANE Select); coding-DNA positions 6854 to 6855, TGA inserted.
Protein change: p.Tyr2285_Asn2286insAsp.
Molecular consequence: inframe insertion. On other transcripts: inframe indel (1).
Genome position: GRCh38 VCF-style: chr17-31338737-T-TATG. GRCh37 (hg19) VCF-style: chr17-29665755-T-TATG.
Other names: c.6791_6792insTGA, p.Tyr2264_Asn2265insAsp (NM_000267.4).
Identifiers: ClinVar variation 1755455 (VCV001755455.2), dbSNP rs876657715, ClinGen allele CA2580093162.